The following is an entry in ClinVar:

NM_001267550.2(TTN):c.12026A>G (p.Tyr4009Cys)

Gene: TTN (titin; minus strand). Cytogenetic location: 2q31.2.
Variant type: single nucleotide variant.
Coding change: c.12026A>G on transcript NM_001267550.2 (MANE Select); coding-DNA position 12026, A replaced by G.
Protein change: p.Tyr4009Cys; replaces tyrosine 4009 with cysteine.
Molecular consequence: missense variant. On other transcripts: intron variant (1).
Genome position (GRCh38, 1-based): chr2:178,741,207, T>C on the plus strand (A>G on the coding strand, the complement: TTN is on the minus strand). VCF-style: chr2-178741207-T-C. GRCh37 (hg19) VCF-style: chr2-179605934-T-C.
Other names: c.11075A>G, p.Tyr3692Cys (NM_001256850.1); c.10937A>G, p.Tyr3646Cys (NM_003319.4); c.11312A>G, p.Tyr3771Cys (NM_133432.3); c.11513A>G, p.Tyr3838Cys (NM_133437.4); c.10361-2847A>G (NM_133378.4); short protein forms Y3646C, Y3692C, Y3771C, Y3838C, Y4009C.
Identifiers: ClinVar variation 992762 (VCV000992762.5), dbSNP rs753367343, ClinGen allele CA2002772.

ClinVar aggregate classification (germline): Uncertain significance. Review status: criteria provided, single submitter (1 of 4 stars). 2 submissions from 2 submitters: Uncertain significance (1). 1 of the submissions does not count toward it. Last evaluated 2019-05-30.

Conditions:
TTN-related disorder. Also called: TTN-related disorders; TTN-related condition; TTN-related disease.
Dilated cardiomyopathy 1G (CMD1G). Identifiers: Orphanet 154, MedGen C1858763, MONDO:0011400, OMIM 604145.
Hypertrophic cardiomyopathy 9. Also called: Familial hypertrophic cardiomyopathy 9. Identifiers: MedGen C1861065, MONDO:0013412, OMIM 613765.

Allele frequency attached by ClinVar (database versions not stated): gnomAD exomes below 0.00001 and 0.00001; ExAC 0.00002.
gnomAD v4.1: 5 of 1,613,338 alleles (0.00031%); highest among the groups gnomAD compares: South Asian, 0.0033%; no homozygotes.

Submissions (2):

New York Genome Center
Classification: Uncertain significance for Dilated cardiomyopathy 1G; Hypertrophic cardiomyopathy 9. Last evaluated: 2019-05-30. Review status: criteria provided, single submitter. Criteria: NYGC Assertion Criteria 2020. Collection method: clinical testing. Allele origin: inherited. Observed: 1 heterozygote. Study: CSER-NYCKidSeq.
Comment: The inherited c.12026A>G (p.Tyr4009Cys) variant identified substitutes a highly conserved Tyrosine for Cysteine at amino acid 4009/35992 (coding exon 48/363). It is found with low frequency in gnomAD (3 heterozygotes, 0 homozygotes; allele frequency: 1.210e-5) and ExAC (3 heterozygotes, 0 homozygotes; allele frequency: 2.495e-5), suggesting it is not a common benign variant in the populations represented in these databases. In silico algorithms predict this variant is Deleterious (Provean; score: -6.07) and Damaging (SIFT; score:0.001) to the function of the canonical transcript. The variant is absent from ClinVar, and to our current knowledge has not been identified in affected individuals in the literature. Given the lack of compelling evidence for the pathogenicity of the inherited c.12026A>G (p.Tyr4009Cys) variant identified here, it is reported as a Variant of Uncertain Significance.

PreventionGenetics, part of Exact Sciences
Classification: Uncertain significance for TTN-related condition. Last evaluated: 2024-01-30. Review status: no assertion criteria provided. Collection method: clinical testing. Allele origin: germline. Not counted in ClinVar's aggregate classification.
Comment: The TTN c.12026A>G variant is predicted to result in the amino acid substitution p.Tyr4009Cys. To our knowledge, this variant has not been reported in the literature. This variant is reported in 0.0065% of alleles in individuals of South Asian descent in gnomAD. At this time, the clinical significance of this variant is uncertain due to the absence of conclusive functional and genetic evidence.